The following is an entry in ClinVar:

NM_006070.6(TFG):c.931C>T (p.Leu311=)

Gene: TFG (trafficking from ER to golgi regulator; plus strand). Cytogenetic location: 3q12.2.
Variant type: single nucleotide variant.
Coding change: c.931C>T on transcript NM_006070.6 (MANE Select); coding-DNA position 931, C replaced by T.
Protein change: p.Leu311=; no amino-acid change (leucine 311 retained).
Molecular consequence: synonymous variant.
Genome position (GRCh38, 1-based): chr3:100,748,259, C>T. VCF-style: chr3-100748259-C-T. GRCh37 (hg19) VCF-style: chr3-100467103-C-T.
Other names: c.931C>T, p.Leu311= (NM_001007565.2, NM_001195478.2); c.919C>T, p.Leu307= (NM_001195479.2).
Identifiers: ClinVar variation 1711579 (VCV001711579.30), dbSNP rs1213029531, ClinGen allele CA434869561.

ClinVar aggregate classification (germline): Uncertain significance (1 of 4 stars; one submission).

Allele frequency attached by ClinVar (database versions not stated): gnomAD exomes below 0.00001; TOPMed below 0.00001.

Submission:

CeGaT Center for Human Genetics Tuebingen
Classification: Uncertain significance. Last evaluated: 2022-08-01. Review status: criteria provided, single submitter. Criteria: CeGaT Center For Human Genetics Tuebingen Variant Classification Criteria Version 2. Collection method: clinical testing. Allele origin: germline. Affected: yes. Observed: 1 variant allele.
Comment: TFG: PM2:Supporting, BP4